The following is an entry in ClinVar:

ClinVar aggregate classification (germline): Uncertain significance (1 of 4 stars; one submission).

Allele frequency attached by ClinVar (database versions not stated): ExAC 0.00001; gnomAD exomes 0.00001; TOPMed 0.00002.
gnomAD v4.1: 11 of 1,612,952 alleles (0.00068%); highest among the groups gnomAD compares: Admixed American, 0.0017%; no homozygotes.

Submission:

CeGaT Center for Human Genetics Tuebingen
Classification: Uncertain significance. Last evaluated: 2022-05-01. Review status: criteria provided, single submitter. Criteria: CeGaT Center For Human Genetics Tuebingen Variant Classification Criteria Version 2. Collection method: clinical testing. Allele origin: germline. Affected: yes. Observed: 1 variant allele.
Comment: NOTCH3: PP2

NM_000435.3(NOTCH3):c.2225C>T (p.Pro742Leu)

Gene: NOTCH3 (notch receptor 3; minus strand). Cytogenetic location: 19p13.12.
Variant type: single nucleotide variant.
Coding change: c.2225C>T on transcript NM_000435.3 (MANE Select); coding-DNA position 2225, C replaced by T.
Protein change: p.Pro742Leu; replaces proline 742 with leucine.
Molecular consequence: missense variant.
Genome position (GRCh38, 1-based): chr19:15,185,328, G>A on the plus strand (C>T on the coding strand, the complement: NOTCH3 is on the minus strand). VCF-style: chr19-15185328-G-A. GRCh37 (hg19) VCF-style: chr19-15296139-G-A.
Other names: short protein forms P742L.
Identifiers: ClinVar variation 1694903 (VCV001694903.31), dbSNP rs780152379, ClinGen allele CA9263407.